The following is an entry in ClinVar:

NM_007254.4(PNKP):c.782C>T (p.Pro261Leu)

Gene: PNKP (polynucleotide kinase 3'-phosphatase; minus strand). Cytogenetic location: 19q13.33.
Variant type: single nucleotide variant.
Coding change: c.782C>T on transcript NM_007254.4 (MANE Select); coding-DNA position 782, C replaced by T.
Protein change: p.Pro261Leu; replaces proline 261 with leucine.
Molecular consequence: missense variant.
Genome position (GRCh38, 1-based): chr19:49,863,723, G>A on the plus strand (C>T on the coding strand, the complement: PNKP is on the minus strand). VCF-style: chr19-49863723-G-A. GRCh37 (hg19) VCF-style: chr19-50366980-G-A.
Other names: short protein forms P261L.
Identifiers: ClinVar variation 864106 (VCV000864106.14), dbSNP rs755468325, ClinGen allele CA9586799.

ClinVar aggregate classification (germline): Uncertain significance. Review status: criteria provided, multiple submitters, no conflicts (2 of 4 stars). 3 submissions from 3 submitters: Uncertain significance (3). Last evaluated 2025-08-01.

Conditions:
Developmental and epileptic encephalopathy, 12 (DEE12). Identifiers: MedGen C3150988, MONDO:0013389, OMIM 613722.
Inborn genetic diseases. Identifiers: MedGen C0950123, MeSH D030342.

Allele frequency attached by ClinVar (database versions not stated): gnomAD exomes 0.00003 and 0.00006; TOPMed 0.00003; ExAC 0.00005; gnomAD 0.00005.

Submissions (3):

Ambry Genetics
Classification: Uncertain significance for Inborn genetic diseases. Last evaluated: 2025-08-01. Review status: criteria provided, single submitter. Criteria: Ambry Variant Classification Scheme 2023. Collection method: clinical testing. Allele origin: germline.

GeneDx
Classification: Uncertain significance. Last evaluated: 2025-06-21. Review status: criteria provided, single submitter. Criteria: GeneDx Variant Classification Process June 2021. Collection method: clinical testing. Allele origin: germline. Affected: yes.
Comment: Not observed at significant frequency in large population cohorts (gnomAD); In silico analysis supports that this missense variant has a deleterious effect on protein structure/function; Has not been previously published as pathogenic or benign to our knowledge; This variant is associated with the following publications: (PMID: 22508754)

Labcorp Genetics (formerly Invitae), Labcorp
Classification: Uncertain significance for Developmental and epileptic encephalopathy, 12. Last evaluated: 2025-02-03. Review status: criteria provided, single submitter. Criteria: Invitae Variant Classification Sherloc (09022015). Collection method: clinical testing. Allele origin: germline.
Comment: This sequence change replaces proline, which is neutral and non-polar, with leucine, which is neutral and non-polar, at codon 261 of the PNKP protein (p.Pro261Leu). The frequency data for this variant in the population databases is considered unreliable, as metrics indicate poor data quality at this position in the gnomAD database. This variant has not been reported in the literature in individuals affected with PNKP-related conditions. ClinVar contains an entry for this variant (Variation ID: 864106). Invitae Evidence Modeling of protein sequence and biophysical properties (such as structural, functional, and spatial information, amino acid conservation, physicochemical variation, residue mobility, and thermodynamic stability) indicates that this missense variant is expected to disrupt PNKP protein function with a positive predictive value of 80%. In summary, the available evidence is currently insufficient to determine the role of this variant in disease. Therefore, it has been classified as a Variant of Uncertain Significance.